The following is an entry in ClinVar:

ClinVar aggregate classification (germline): Uncertain significance. Review status: criteria provided, multiple submitters, no conflicts (2 of 4 stars). 2 submissions from 2 submitters: Uncertain significance (2). Last evaluated 2021-06-04.

Conditions:
Long QT syndrome (LQTS). Identifiers: MedGen C0023976, MeSH D008133, MONDO:0002442. Disease mechanism: loss of function. Inheritance: Various modes of inheritance.

Submissions (2):

Labcorp Genetics (formerly Invitae), Labcorp
Classification: Uncertain significance for Long QT syndrome. Last evaluated: 2021-06-04. Review status: criteria provided, single submitter. Criteria: Invitae Variant Classification Sherloc (09022015). Collection method: clinical testing. Allele origin: germline.
Comment: This sequence change falls in intron 9 of the KCNH2 gene. It does not directly change the encoded amino acid sequence of the KCNH2 protein. It affects a nucleotide within the consensus splice site of the intron. This variant is not present in population databases (ExAC no frequency). This variant has been observed in individual(s) with long QT syndrome (LQTS) (PMID: 16414944). ClinVar contains an entry for this variant (Variation ID: 523701). Nucleotide substitutions within the consensus splice site are a relatively common cause of aberrant splicing (PMID: 17576681, 9536098). Algorithms developed to predict the effect of sequence changes on RNA splicing suggest that this variant may disrupt the consensus splice site, but this prediction has not been confirmed by published transcriptional studies. In summary, the available evidence is currently insufficient to determine the role of this variant in disease. Therefore, it has been classified as a Variant of Uncertain Significance.

Molecular Diagnostic Laboratory for Inherited Cardiovascular Disease, Montreal Heart Institute
Classification: Uncertain significance for Congenital long QT syndrome. Last evaluated: 2017-06-12. Review status: criteria provided, single submitter. Criteria: ACMG Guidelines, 2015. Collection method: clinical testing. Allele origin: germline. Affected: yes.

Literature cited by the submitters: PubMed 16414944 (cited by Labcorp Genetics (formerly Invitae), Labcorp); PubMed 17576681 (cited by Labcorp Genetics (formerly Invitae), Labcorp); PubMed 9536098 (cited by Labcorp Genetics (formerly Invitae), Labcorp).

NM_000238.4(KCNH2):c.2398+3A>G

Gene: KCNH2 (potassium voltage-gated channel subfamily H member 2; minus strand). Cytogenetic location: 7q36.1.
Variant type: single nucleotide variant.
Coding change: c.2398+3A>G on transcript NM_000238.4 (MANE Select); 3 bases into the intron after coding-DNA position 2398, A replaced by G.
Molecular consequence: intron variant. On other transcripts: missense variant (5).
Genome position (GRCh38, 1-based): chr7:150,950,165, T>C on the plus strand (A>G on the coding strand, the complement: KCNH2 is on the minus strand). VCF-style: chr7-150950165-T-C. GRCh37 (hg19) VCF-style: chr7-150647253-T-C.
Other names: c.1381A>G, p.Met461Val (NM_001204798.2); c.2224A>G, p.Met742Val (NM_001406755.1); c.2113A>G, p.Met705Val (NM_001406756.1); c.2101A>G, p.Met701Val (NM_001406757.1); c.2401A>G, p.Met801Val (NM_172056.3); c.1378+3A>G (NM_172057.3); short protein forms M801V, M461V, M742V, M705V, M701V.
Identifiers: ClinVar variation 523701 (VCV000523701.10), dbSNP rs1554425151, ClinGen allele CA369855976.